The following is an entry in ClinVar:

ClinVar aggregate classification (germline): Uncertain significance (1 of 4 stars; one submission).

Conditions:
Developmental and epileptic encephalopathy, 36 (DEE36). Also called: Epileptic encephalopathy, early infantile, 36; Congenital disorder of glycosylation, type Is; ALG13-CDG. Identifiers: Orphanet 324422, MedGen C4317295, MONDO:0010472, OMIM 300884.

Submission:

Labcorp Genetics (formerly Invitae), Labcorp
Classification: Uncertain significance for Developmental and epileptic encephalopathy, 36. Last evaluated: 2023-02-01. Review status: criteria provided, single submitter. Criteria: Invitae Variant Classification Sherloc (09022015). Collection method: clinical testing. Allele origin: germline.
Comment: This variant, c.2798_2799insACCACCACCTCCTCC, results in the insertion of 5 amino acid(s) of the ALG13 protein (p.Pro941_Pro945dup), but otherwise preserves the integrity of the reading frame. This variant is not present in population databases (gnomAD no frequency). This variant has not been reported in the literature in individuals affected with ALG13-related conditions. In summary, the available evidence is currently insufficient to determine the role of this variant in disease. Therefore, it has been classified as a Variant of Uncertain Significance.

NM_001099922.3(ALG13):c.2798_2799insACCACCACCTCCTCC (p.Pro945_Ala946insProProProProPro)

Gene: ALG13 (ALG13 UDP-N-acetylglucosaminyltransferase subunit; plus strand). Cytogenetic location: Xq23.
Variant type: Microsatellite.
Coding change: c.2798_2799insACCACCACCTCCTCC on transcript NM_001099922.3 (MANE Select); coding-DNA positions 2798 to 2799, ACCACCACCTCCTCC inserted.
Protein change: p.Pro945_Ala946insProProProProPro.
Molecular consequence: inframe insertion. On other transcripts: intron variant (5).
Genome position: GRCh38 VCF-style: chrX-111744768-A-ACCACCACCACCTCCT. GRCh37 (hg19) VCF-style: chrX-110987996-A-ACCACCACCACCTCCT.
Other names: c.2564_2565insACCACCACCTCCTCC, p.Pro867_Ala868insProProProProPro (NM_001257231.2); c.2383+7891_2383+7892insACCACCACCTCCTCC (NM_001257237.2, NM_001257234.2, NM_001257230.2); c.2209+7891_2209+7892insACCACCACCTCCTCC (NM_001324293.1); c.2695+7891_2695+7892insACCACCACCTCCTCC (NM_001324292.2).
Identifiers: ClinVar variation 2833719 (VCV002833719.3), dbSNP rs1569522034.
Genomic context (GRCh38, chrX:111,744,768, plus strand): 5'-TCATGCTGGTGCCTCTCTACCACCACCACCACCACCACCACCACCACCACCACCACCACC[A>ACCACCACCACCTCCT]CCTCCTCCTCCTCCTCCTCCTCCTCCTCCTCCTCCTCCTGCTCTTGATGTGGGAGAGACT-3'